The following is an entry in ClinVar:

ClinVar aggregate classification (germline): Uncertain significance (1 of 4 stars; one submission).

Conditions:
Hereditary cancer-predisposing syndrome. Also called: Neoplastic Syndromes, Hereditary; Tumor predisposition; Hereditary Cancer Syndrome; Hereditary neoplastic syndrome. Identifiers: Orphanet 140162, MedGen C0027672, MeSH D009386, MONDO:0015356.

Submission:

Ambry Genetics
Classification: Uncertain significance for Hereditary cancer-predisposing syndrome. Last evaluated: 2023-09-13. Review status: criteria provided, single submitter. Criteria: Ambry Variant Classification Scheme 2023. Collection method: clinical testing. Allele origin: germline.
Comment: The p.V298A variant (also known as c.893T>C), located in coding exon 4 of the PALB2 gene, results from a T to C substitution at nucleotide position 893. The valine at codon 298 is replaced by alanine, an amino acid with similar properties. This amino acid position is not well conserved in available vertebrate species. In addition, this alteration is predicted to be tolerated by in silico analysis. Since supporting evidence is limited at this time, the clinical significance of this alteration remains unclear.

NM_024675.4(PALB2):c.893T>C (p.Val298Ala)

Gene: PALB2 (partner and localizer of BRCA2; minus strand). Cytogenetic location: 16p12.2.
Variant type: single nucleotide variant.
Coding change: c.893T>C on transcript NM_024675.4 (MANE Select); coding-DNA position 893, T replaced by C.
Protein change: p.Val298Ala; replaces valine 298 with alanine.
Molecular consequence: missense variant.
Genome position (GRCh38, 1-based): chr16:23,635,653, A>G on the plus strand (T>C on the coding strand, the complement: PALB2 is on the minus strand). VCF-style: chr16-23635653-A-G. GRCh37 (hg19) VCF-style: chr16-23646974-A-G.
Other names: short protein forms V298A.
Identifiers: ClinVar variation 482058 (VCV000482058.6), dbSNP rs763726703, ClinGen allele CA279499222.
Genomic context (GRCh38, chr16:23,635,653, plus strand): 5'-CTTGTGGGCAGTTGGCCACTTTTACTTATAGCTTTATTTACAAGGAGGTTATCTGTAGAG[A>G]CAGTCATTTTTTTGCCTTGTGCCTCCAAACTTACAGGTGAAGTAAATCTAATGTTTTTTA-3'
Protein context (NP_078951.2, residues 288-308): SLEAQGKKMT[Val298Ala]STDNLLVNKA